The following is an entry in ClinVar:

NM_001557.4(CXCR2):c.482T>G (p.Leu161Trp)

Gene: CXCR2 (C-X-C motif chemokine receptor 2; plus strand). Cytogenetic location: 2q35.
Variant type: single nucleotide variant.
Coding change: c.482T>G on transcript NM_001557.4 (MANE Select); coding-DNA position 482, T replaced by G.
Protein change: p.Leu161Trp; replaces leucine 161 with tryptophan.
Molecular consequence: missense variant.
Genome position (GRCh38, 1-based): chr2:218,135,283, T>G. VCF-style: chr2-218135283-T-G. GRCh37 (hg19) VCF-style: chr2-219000006-T-G.
Other names: c.482T>G, p.Leu161Trp (NM_001168298.2); short protein forms L161W.
Identifiers: ClinVar variation 2051276 (VCV002051276.2), dbSNP rs202076117, ClinGen allele CA65711005.
Genomic context (GRCh38, chr2:218,135,283, plus strand): 5'-GTGTGGACCGTTACCTGGCCATTGTCCATGCCACACGCACACTGACCCAGAAGCGCTACT[T>G]GGTCAAATTCATATGTCTCAGCATCTGGGGTCTGTCCTTGCTCCTGGCCCTGCCTGTCTT-3'
Protein context (NP_001548.1, residues 151-171): ATRTLTQKRY[Leu161Trp]VKFICLSIWG

ClinVar aggregate classification (germline): Uncertain significance (1 of 4 stars; one submission).

Allele frequency attached by ClinVar (database versions not stated): gnomAD exomes 0.00003; gnomAD 0.00004; TOPMed 0.00005.

Submission:

Labcorp Genetics (formerly Invitae), Labcorp
Classification: Uncertain significance. Last evaluated: 2023-01-17. Review status: criteria provided, single submitter. Criteria: Invitae Variant Classification Sherloc (09022015). Collection method: clinical testing. Allele origin: germline.
Comment: In summary, the available evidence is currently insufficient to determine the role of this variant in disease. Therefore, it has been classified as a Variant of Uncertain Significance. Algorithms developed to predict the effect of missense changes on protein structure and function output the following: SIFT: "Tolerated"; PolyPhen-2: "Probably Damaging"; Align-GVGD: "Class C0". The tryptophan amino acid residue is found in multiple mammalian species, which suggests that this missense change does not adversely affect protein function. This variant has not been reported in the literature in individuals affected with CXCR2-related conditions. This variant is present in population databases (rs202076117, gnomAD 0.004%). This sequence change replaces leucine, which is neutral and non-polar, with tryptophan, which is neutral and slightly polar, at codon 161 of the CXCR2 protein (p.Leu161Trp).